The following is an entry in ClinVar:

ClinVar aggregate classification (germline): Pathogenic/Likely pathogenic. Review status: criteria provided, multiple submitters, no conflicts (2 of 4 stars). 2 submissions from 2 submitters: Pathogenic (1); Likely pathogenic (1). Last evaluated 2020-02-20.

Conditions:
Biotin-responsive basal ganglia disease (BTBGD). Also called: Thiamine metabolism dysfunction syndrome type 2; Thiamine Transporter-2 Deficiency; THIAMINE METABOLISM DYSFUNCTION SYNDROME 2 (BIOTIN- AND THIAMINE-RESPONSIVE TYPE); Thiamine metabolism dysfunction syndrome 2 (biotin- or thiamine-responsive encephalopathy type 2); thiamine-responsive encephalopathy. Identifiers: Orphanet 199348, Orphanet 65284, MedGen C1843807, MONDO:0011841, OMIM 607483.

Allele frequency attached by ClinVar (database versions not stated): gnomAD exomes below 0.00001 and 0.00001.

Submissions (2):

GeneDx
Classification: Pathogenic. Last evaluated: 2020-02-20. Review status: criteria provided, single submitter. Criteria: GeneDx Variant Classification Process June 2021. Collection method: clinical testing. Allele origin: germline. Affected: yes.
Comment: Frameshift variant predicted to result in protein truncation or nonsense mediated decay in a gene for which loss-of-function is a known mechanism of disease; Not observed at a significant frequency in large population cohorts (Lek et al., 2016); Has not been previously published as pathogenic or benign to our knowledge; This variant is associated with the following publications: (PMID: 33083013)

CENTOGENE GmbH and LLC - Guiding Precision Medicine
Classification: Likely pathogenic for Thiamine metabolism dysfunction syndrome type 2. Review status: criteria provided, single submitter. Criteria: ACMG Guidelines, 2015. Collection method: clinical testing. Allele origin: germline. Affected: yes.

NM_025243.4(SLC19A3):c.482_483del (p.Leu161fs)

Gene: SLC19A3 (solute carrier family 19 member 3; minus strand). Cytogenetic location: 2q36.3.
Variant type: Deletion.
Coding change: c.482_483del on transcript NM_025243.4 (MANE Select); coding-DNA positions 482 to 483, 2 bases deleted (TG; older notation c.482_483delTG).
Protein change: p.Leu161fs; shifts the reading frame from leucine 161.
Molecular consequence: frameshift variant.
Genome position (GRCh38, 1-based): chr2:227,699,232-227,699,233, CA deleted on the plus strand (TG on the coding strand, the reverse complement: SLC19A3 is on the minus strand). VCF-style (leftmost placement, unchanged base first): chr2-227699231-CCA-C. GRCh37 (hg19) VCF-style: chr2-228563947-CCA-C.
Other names: c.482_483del, p.Leu161fs (NM_001371411.1, NM_001371412.1); c.470_471del, p.Leu157fs (NM_001371413.1, NM_001371414.1); short protein forms L157fs, L161fs.
Identifiers: ClinVar variation 973536 (VCV000973536.5), dbSNP rs1271884981, ClinGen allele CA540306934.